The following is an entry in ClinVar:

NM_016642.4(SPTBN5):c.8887G>A (p.Gly2963Arg)

Gene: SPTBN5 (spectrin beta, non-erythrocytic 5; minus strand). Cytogenetic location: 15q15.1.
Variant type: single nucleotide variant.
Coding change: c.8887G>A on transcript NM_016642.4 (MANE Select); coding-DNA position 8887, G replaced by A.
Protein change: p.Gly2963Arg; replaces glycine 2963 with arginine.
Molecular consequence: missense variant.
Genome position (GRCh38, 1-based): chr15:41,856,520, C>T on the plus strand (G>A on the coding strand, the complement: SPTBN5 is on the minus strand). VCF-style: chr15-41856520-C-T. GRCh37 (hg19) VCF-style: chr15-42148718-C-T.
Other names: c.8782G>A (NM_016642.2); short protein forms G2963R.
Identifiers: ClinVar variation 3057564 (VCV003057564.3), dbSNP rs201068655, ClinGen allele CA7501702.

ClinVar aggregate classification (germline): Uncertain significance. Review status: criteria provided, single submitter (1 of 4 stars). 2 submissions from 2 submitters: Uncertain significance (1). 1 of the submissions does not count toward it. Last evaluated 2025-01-18.

Conditions:
SPTBN5-related disorder. Also called: SPTBN5-related condition.

Allele frequency attached by ClinVar (database versions not stated): ExAC 0.00026; ESP Exome Variant Server 0.00056; gnomAD 0.00060; 1000 Genomes Project 0.00080; TOPMed 0.00084; 1000 Genomes Project 30x 0.00094.
gnomAD v4.1: 205 of 1,600,830 alleles (0.013%); highest among the groups gnomAD compares: African/African-American, 0.24%; 1 homozygote.

Submissions (2):

Ambry Genetics
Classification: Uncertain significance. Last evaluated: 2025-01-18. Review status: criteria provided, single submitter. Criteria: Ambry Variant Classification Scheme 2023. Collection method: clinical testing. Allele origin: germline.

PreventionGenetics, part of Exact Sciences
Classification: Likely benign for SPTBN5-related condition. Last evaluated: 2022-02-08. Review status: no assertion criteria provided. Collection method: clinical testing. Allele origin: germline. Not counted in ClinVar's aggregate classification.
Comment: This variant is classified as likely benign based on ACMG/AMP sequence variant interpretation guidelines (Richards et al. 2015 PMID: 25741868, with internal and published modifications).